The following is an entry in ClinVar:

ClinVar aggregate classification (germline): Uncertain significance (1 of 4 stars; one submission).

Conditions:
Arthrogryposis multiplex congenita 6. Identifiers: MedGen C5543431, MONDO:0030281, OMIM 619334.

Submission:

Neuberg Centre For Genomic Medicine, NCGM
Classification: Uncertain significance for Arthrogryposis multiplex congenita 6. Review status: criteria provided, single submitter. Criteria: ACMG Guidelines, 2015. Collection method: clinical testing. Allele origin: germline. Inheritance: Autosomal dominant inheritance. Affected: yes.
Comment: The missense variant c.4393G>T p.Asp1465Tyr in the NEB gene has not been reported previously as a pathogenic variant nor as a benign variant, to our knowledge. This variant is absent in the gnomAD Exomes. The amino acid Asp at position 1465 is changed to a Tyr changing protein sequence and it might alter its composition and physico-chemical properties. Multiple lines of computational evidence Polyphen - Probably damaging, SIFT - Damaging predict a damaging effect on protein structure and function for this variant. The amino acid change p.Asp1465Tyr in NEB is predicted as conserved by GERP++ and PhyloP across 100 vertebrates. For these reasons, this variant has been classified as Uncertain Significance.

NM_001164508.2(NEB):c.4393G>T (p.Asp1465Tyr)

Gene: NEB (nebulin; minus strand). Cytogenetic location: 2q23.3.
Variant type: single nucleotide variant.
Coding change: c.4393G>T on transcript NM_001164508.2 (MANE Select); coding-DNA position 4393, G replaced by T.
Protein change: p.Asp1465Tyr; replaces aspartic acid 1465 with tyrosine.
Molecular consequence: missense variant.
Genome position (GRCh38, 1-based): chr2:151,671,136, C>A on the plus strand (G>T on the coding strand, the complement: NEB is on the minus strand). VCF-style: chr2-151671136-C-A. GRCh37 (hg19) VCF-style: chr2-152527650-C-A.
Other names: c.4393G>T, p.Asp1465Tyr (NM_001164507.2, NM_001271208.2, NM_004543.5); short protein forms D1465Y.
Identifiers: ClinVar variation 3391318 (VCV003391318.1).
Genomic context (GRCh38, chr2:151,671,136, plus strand): 5'-GCACACTTGTGAACTTGACGGTATCTGGGTGCTGTCGATACTTCCTCTCATTTAATGCAT[C>A]GCCTGCTTTCTTGACCTTCTCCACCTCCAGGGAACCAATAGGGATCCATCCGATGCCCTT-3'
Protein context (NP_001157980.2, residues 1455-1475): LEVEKVKKAG[Asp1465Tyr]ALNERKYRQH